The following is an entry in ClinVar:

NM_005314.3(GRPR):c.784C>G (p.Leu262Val)

Gene: GRPR (gastrin releasing peptide receptor; plus strand). Cytogenetic location: Xp22.2.
Variant type: single nucleotide variant.
Coding change: c.784C>G on transcript NM_005314.3 (MANE Select); coding-DNA position 784, C replaced by G.
Protein change: p.Leu262Val; replaces leucine 262 with valine.
Molecular consequence: missense variant.
Genome position (GRCh38, 1-based): chrX:16,152,274, C>G. VCF-style: chrX-16152274-C-G. GRCh37 (hg19) VCF-style: chrX-16170397-C-G.
Other names: short protein forms L262V.
Identifiers: ClinVar variation 3053094 (VCV003053094.2), dbSNP rs1477247746, ClinGen allele CA412460475.

ClinVar aggregate classification (germline): Likely benign (0 of 4 stars; one submission).

Conditions:
GRPR-related disorder. Also called: GRPR-related condition.

Allele frequency attached by ClinVar (database versions not stated): gnomAD 0.00001; gnomAD exomes 0.00001; TOPMed 0.00001.
gnomAD v4.1: 9 of 1,206,776 alleles (0.00075%); highest among the groups gnomAD compares: Admixed American, 0.02%; no homozygotes.

Submission:

PreventionGenetics, part of Exact Sciences
Classification: Likely benign for GRPR-related condition. Last evaluated: 2022-10-31. Review status: no assertion criteria provided. Collection method: clinical testing. Allele origin: germline.
Comment: This variant is classified as likely benign based on ACMG/AMP sequence variant interpretation guidelines (Richards et al. 2015 PMID: 25741868, with internal and published modifications).